The following is an entry in ClinVar:

NM_000465.4(BARD1):c.386G>T (p.Arg129Met)

Gene: BARD1 (BRCA1 associated RING domain 1; minus strand). Cytogenetic location: 2q35.
Variant type: single nucleotide variant.
Coding change: c.386G>T on transcript NM_000465.4 (MANE Select); coding-DNA position 386, G replaced by T.
Protein change: p.Arg129Met; replaces arginine 129 with methionine.
Molecular consequence: missense variant. On other transcripts: non-coding transcript variant (2), intron variant (3).
Genome position (GRCh38, 1-based): chr2:214,781,488, C>A on the plus strand (G>T on the coding strand, the complement: BARD1 is on the minus strand). VCF-style: chr2-214781488-C-A. GRCh37 (hg19) VCF-style: chr2-215646212-C-A.
Other names: c.329G>T, p.Arg110Met (NM_001282543.2); c.158+27924G>T (NM_001282548.2); c.215+15573G>T (NM_001282545.2); c.364+10809G>T (NM_001282549.2); short protein forms R110M, R129M.
Identifiers: ClinVar variation 1735689 (VCV001735689.2), dbSNP rs2469514594, ClinGen allele CA350458218.

ClinVar aggregate classification (germline): Uncertain significance (1 of 4 stars; one submission).

Conditions:
Hereditary cancer-predisposing syndrome. Also called: Neoplastic Syndromes, Hereditary; Tumor predisposition; Hereditary Cancer Syndrome; Hereditary neoplastic syndrome. Identifiers: Orphanet 140162, MedGen C0027672, MeSH D009386, MONDO:0015356.

Submission:

Ambry Genetics
Classification: Uncertain significance for Hereditary cancer-predisposing syndrome. Last evaluated: 2021-09-24. Review status: criteria provided, single submitter. Criteria: Ambry Variant Classification Scheme 2023. Collection method: clinical testing. Allele origin: germline.
Comment: The p.R129M variant (also known as c.386G>T), located in coding exon 4 of the BARD1 gene, results from a G to T substitution at nucleotide position 386. The arginine at codon 129 is replaced by methionine, an amino acid with similar properties. This amino acid position is not well conserved in available vertebrate species. In addition, this alteration is predicted to be tolerated by in silico analysis. Since supporting evidence is limited at this time, the clinical significance of this alteration remains unclear.